The following is an entry in ClinVar:

ClinVar aggregate classification (germline): Pathogenic (1 of 4 stars; one submission).

Conditions:
Idiopathic generalized epilepsy. Also called: Generalised epilepsy; EIG. Identifiers: MedGen C0270850, MONDO:0005579, OMIM 600669.
Epilepsy, childhood absence 4 (ECA4). Also called: EPILEPSY, CHILDHOOD ABSENCE, SUSCEPTIBILITY TO, 4. Identifiers: Orphanet 307, MedGen C1970160.
Epilepsy, idiopathic generalized, susceptibility to, 13. Also called: EPILEPSY, JUVENILE MYOCLONIC, SUSCEPTIBILITY TO, 5. Identifiers: Orphanet 307, Orphanet 64280, MedGen C4013473, MONDO:0012627, OMIM 611136.

Submission:

Labcorp Genetics (formerly Invitae), Labcorp
Classification: Pathogenic for Epilepsy, childhood absence 4; Epilepsy, idiopathic generalized, susceptibility to, 13; Idiopathic generalized epilepsy. Last evaluated: 2024-08-14. Review status: criteria provided, single submitter. Criteria: Invitae Variant Classification Sherloc (09022015). Collection method: clinical testing. Allele origin: germline.
Comment: This sequence change replaces tyrosine, which is neutral and polar, with cysteine, which is neutral and slightly polar, at codon 252 of the GABRA1 protein (p.Tyr252Cys). This variant is not present in population databases (gnomAD no frequency). This missense change has been observed in individual(s) with clinical features of GABRA1-related conditions (Invitae). In at least one individual the variant was observed to be de novo. ClinVar contains an entry for this variant (Variation ID: 1514692). Invitae Evidence Modeling of protein sequence and biophysical properties (such as structural, functional, and spatial information, amino acid conservation, physicochemical variation, residue mobility, and thermodynamic stability) indicates that this missense variant is expected to disrupt GABRA1 protein function with a positive predictive value of 95%. For these reasons, this variant has been classified as Pathogenic.

NM_001127644.2(GABRA1):c.755A>G (p.Tyr252Cys)

Gene: GABRA1 (gamma-aminobutyric acid type A receptor subunit alpha1; plus strand). Cytogenetic location: 5q34.
Variant type: single nucleotide variant.
Coding change: c.755A>G on transcript NM_001127644.2 (MANE Select); coding-DNA position 755, A replaced by G.
Protein change: p.Tyr252Cys; replaces tyrosine 252 with cysteine.
Molecular consequence: missense variant.
Genome position (GRCh38, 1-based): chr5:161,890,949, A>G. VCF-style: chr5-161890949-A-G. GRCh37 (hg19) VCF-style: chr5-161317955-A-G.
Other names: c.755A>G, p.Tyr252Cys (NM_000806.5, NM_001127643.2, NM_001127645.2 and 1 more transcripts); short protein forms Y252C.
Identifiers: ClinVar variation 1514692 (VCV001514692.8), dbSNP rs2113446442, ClinGen allele CA362179831.